The following is an entry in ClinVar:

ClinVar aggregate classification (germline): Likely benign (1 of 4 stars; one submission).

Conditions:
WBP2-related disorder. Also called: WBP2-related condition.

gnomAD v4.1: 18 of 1,613,854 alleles (0.0011%); highest among the groups gnomAD compares: Admixed American, 0.0017%; no homozygotes.

Submission:

PreventionGenetics, part of Exact Sciences
Classification: Likely benign for WBP2-related condition. Last evaluated: 2026-07-10. Review status: criteria provided, single submitter. Criteria: ACMG Guidelines, 2015. Collection method: clinical testing. Allele origin: germline.
Comment: This variant is classified as likely benign based on ACMG/AMP sequence variant interpretation guidelines (Richards et al. 2015 PMID: 25741868, with internal and published modifications).

NM_012478.4(WBP2):c.375G>T (p.Arg125=)

Gene: WBP2 (WW domain binding protein 2; minus strand). Cytogenetic location: 17q25.1.
Variant type: single nucleotide variant.
Coding change: c.375G>T on transcript NM_012478.4 (MANE Select); coding-DNA position 375, G replaced by T.
Protein change: p.Arg125=; no amino-acid change (arginine 125 retained).
Molecular consequence: synonymous variant.
Genome position (GRCh38, 1-based): chr17:75,848,592, C>A on the plus strand (G>T on the coding strand, the complement: WBP2 is on the minus strand). VCF-style: chr17-75848592-C-A. GRCh37 (hg19) VCF-style: chr17-73844673-C-A.
Other names: c.375G>T, p.Arg125= (NM_001330499.2, NM_001348170.1).
Identifiers: ClinVar variation 4986358 (VCV004986358.1).